The following is an entry in ClinVar:

ClinVar aggregate classification (germline): Uncertain significance (1 of 4 stars; one submission).

Submission:

GeneDx
Classification: Uncertain significance. Last evaluated: 2024-09-29. Review status: criteria provided, single submitter. Criteria: GeneDx Variant Classification Process June 2021. Collection method: clinical testing. Allele origin: germline. Affected: yes.
Comment: Not observed at significant frequency in large population cohorts (gnomAD); In silico analysis indicates that this missense variant does not alter protein structure/function; Has not been previously published as pathogenic or benign to our knowledge

NM_024334.3(TMEM43):c.623T>G (p.Leu208Arg)

Gene: TMEM43 (transmembrane protein 43; plus strand). Cytogenetic location: 3p25.1.
Variant type: single nucleotide variant.
Coding change: c.623T>G on transcript NM_024334.3 (MANE Select); coding-DNA position 623, T replaced by G.
Protein change: p.Leu208Arg; replaces leucine 208 with arginine.
Molecular consequence: missense variant.
Genome position (GRCh38, 1-based): chr3:14,134,809, T>G. VCF-style: chr3-14134809-T-G. GRCh37 (hg19) VCF-style: chr3-14176309-T-G.
Other names: c.626T>G, p.Leu209Arg (NM_001407274.1); c.623T>G, p.Leu208Arg (NM_001407275.1, NM_001407276.1, NM_001407277.1 and 1 more transcripts); c.608T>G, p.Leu203Arg (NM_001407278.1); c.473T>G, p.Leu158Arg (NM_001407280.1); short protein forms L158R, L203R, L208R, L209R.
Identifiers: ClinVar variation 3774854 (VCV003774854.1).